The following is an entry in ClinVar:

ClinVar aggregate classification (germline): Uncertain significance. Review status: criteria provided, multiple submitters, no conflicts (2 of 4 stars). 4 submissions from 4 submitters: Uncertain significance (3). 1 of the submissions does not count toward it. Last evaluated 2023-04-11.

Conditions:
Familial medullary thyroid carcinoma (MTC). Also called: Thyroid cancer, familial medullary; MTC, familial; Familial Medullary Thyroid Carcinoma (FMTC). Identifiers: Orphanet 653, Orphanet 99361, MedGen C1833921, MONDO:0007958, OMIM 155240.
Hereditary insensitivity to pain with anhidrosis (CIPA). Also called: INSENSITIVITY TO PAIN, CONGENITAL, WITH ANHIDROSIS; HSAN Type IV; NTRK1 Congenital Insensitivity to Pain with Anhidrosis; FAMILIAL DYSAUTONOMIA, TYPE II; NEUROPATHY, CONGENITAL SENSORY, WITH ANHIDROSIS; hereditary sensory and autonomic neuropathy type 4. Identifiers: Orphanet 642, MedGen C0020074, MONDO:0009746, OMIM 256800.

Allele frequency attached by ClinVar (database versions not stated): gnomAD exomes below 0.00001 and 0.00001; ExAC 0.00001; gnomAD 0.00001.

Submissions (4):

Genome-Nilou Lab
Classification: Uncertain significance for Hereditary insensitivity to pain with anhidrosis. Last evaluated: 2023-04-11. Review status: criteria provided, single submitter. Criteria: ACMG Guidelines, 2015. Collection method: clinical testing. Allele origin: germline. Affected: no.

Labcorp Genetics (formerly Invitae), Labcorp
Classification: Uncertain significance for Hereditary insensitivity to pain with anhidrosis. Last evaluated: 2022-07-21. Review status: criteria provided, single submitter. Criteria: Invitae Variant Classification Sherloc (09022015). Collection method: clinical testing. Allele origin: germline.
Comment: This sequence change replaces glycine, which is neutral and non-polar, with arginine, which is basic and polar, at codon 455 of the NTRK1 protein (p.Gly455Arg). This variant is present in population databases (rs761247634, gnomAD 0.006%). This variant has not been reported in the literature in individuals affected with NTRK1-related conditions. ClinVar contains an entry for this variant (Variation ID: 584600). Advanced modeling of protein sequence and biophysical properties (such as structural, functional, and spatial information, amino acid conservation, physicochemical variation, residue mobility, and thermodynamic stability) performed at Invitae indicates that this missense variant is not expected to disrupt NTRK1 protein function. Algorithms developed to predict the effect of sequence changes on RNA splicing suggest that this variant may disrupt the consensus splice site. In summary, the available evidence is currently insufficient to determine the role of this variant in disease. Therefore, it has been classified as a Variant of Uncertain Significance.

Mendelics
Classification: Uncertain significance for Familial medullary thyroid carcinoma. Last evaluated: 2018-07-02. Review status: criteria provided, single submitter. Criteria: Mendelics Assertion Criteria 2017. Collection method: clinical testing. Allele origin: unknown.

Natera, Inc.
Classification: Uncertain significance for Hereditary insensitivity to pain with anhidrosis. Last evaluated: 2020-04-17. Review status: no assertion criteria provided. Collection method: clinical testing. Allele origin: germline. Not counted in ClinVar's aggregate classification.

NM_002529.4(NTRK1):c.1381G>A (p.Gly461Arg)

Gene: NTRK1 (neurotrophic receptor tyrosine kinase 1; plus strand). Cytogenetic location: 1q23.1.
Variant type: single nucleotide variant.
Coding change: c.1381G>A on transcript NM_002529.4 (MANE Select); coding-DNA position 1381, G replaced by A.
Protein change: p.Gly461Arg; replaces glycine 461 with arginine.
Molecular consequence: missense variant.
Genome position (GRCh38, 1-based): chr1:156,875,546, G>A. VCF-style: chr1-156875546-G-A. GRCh37 (hg19) VCF-style: chr1-156845338-G-A.
Other names: c.1273G>A, p.Gly425Arg (NM_001007792.1); c.1363G>A, p.Gly455Arg (NM_001012331.2); short protein forms G425R, G461R, G455R.
Identifiers: ClinVar variation 584600 (VCV000584600.5), dbSNP rs761247634, ClinGen allele CA1169316.